The following is an entry in ClinVar:

NM_001042492.3(NF1):c.5456C>T (p.Ala1819Val)

Gene: NF1 (neurofibromin 1; plus strand). Cytogenetic location: 17q11.2.
Variant type: single nucleotide variant.
Coding change: c.5456C>T on transcript NM_001042492.3 (MANE Select); coding-DNA position 5456, C replaced by T.
Protein change: p.Ala1819Val; replaces alanine 1819 with valine.
Molecular consequence: missense variant.
Genome position (GRCh38, 1-based): chr17:31,327,686, C>T. VCF-style: chr17-31327686-C-T. GRCh37 (hg19) VCF-style: chr17-29654704-C-T.
Other names: c.5393C>T, p.Ala1798Val (NM_000267.4); short protein forms A1819V, A1798V.
Identifiers: ClinVar variation 527522 (VCV000527522.8), dbSNP rs1555533590, ClinGen allele CA399009487.

ClinVar aggregate classification (germline): Uncertain significance. Review status: criteria provided, multiple submitters, no conflicts (2 of 4 stars). 2 submissions from 2 submitters: Uncertain significance (2). Last evaluated 2021-10-08.

Conditions:
Cardiovascular phenotype. Identifiers: MedGen CN230736.
Hereditary cancer-predisposing syndrome. Also called: Neoplastic Syndromes, Hereditary; Tumor predisposition; Hereditary neoplastic syndrome; Hereditary Cancer Syndrome. Identifiers: Orphanet 140162, MedGen C0027672, MeSH D009386, MONDO:0015356.
Neurofibromatosis, type 1 (NF1). Also called: VON RECKLINGHAUSEN DISEASE; NEUROFIBROMATOSIS, TYPE I, SOMATIC; Peripheral type neurofibromatosis; Neurofibromatosis, type I. Identifiers: Orphanet 636, MedGen C0027831, MONDO:0018975, OMIM 162200. Disease mechanism: loss of function.

Submissions (2):

Ambry Genetics
Classification: Uncertain significance for Cardiovascular phenotype; Hereditary cancer-predisposing syndrome. Last evaluated: 2021-10-08. Review status: criteria provided, single submitter. Criteria: Ambry Variant Classification Scheme 2023. Collection method: clinical testing. Allele origin: germline.
Comment: The p.A1798V variant (also known as c.5393C>T), located in coding exon 37 of the NF1 gene, results from a C to T substitution at nucleotide position 5393. The alanine at codon 1798 is replaced by valine, an amino acid with similar properties. This amino acid position is well conserved in available vertebrate species. In addition, the in silico prediction for this alteration is inconclusive. Since supporting evidence is limited at this time, the clinical significance of this alteration remains unclear.

Labcorp Genetics (formerly Invitae), Labcorp
Classification: Uncertain significance for Neurofibromatosis, type 1. Last evaluated: 2017-11-18. Review status: criteria provided, single submitter. Criteria: Invitae Variant Classification Sherloc (09022015). Collection method: clinical testing. Allele origin: germline.
Comment: This variant has not been reported in the literature in individuals with NF1-related disease. In summary, the available evidence is currently insufficient to determine the role of this variant in disease. Therefore, it has been classified as a Variant of Uncertain Significance. Algorithms developed to predict the effect of missense changes on protein structure and function (SIFT, PolyPhen-2, Align-GVGD) all suggest that this variant is likely to be tolerated, but these predictions have not been confirmed by published functional studies and their clinical significance is uncertain. This variant is not present in population databases (ExAC no frequency). This sequence change replaces alanine with valine at codon 1798 of the NF1 protein (p.Ala1798Val). The alanine residue is moderately conserved and there is a small physicochemical difference between alanine and valine.